The following is an entry in ClinVar:

ClinVar aggregate classification (germline): Likely pathogenic. Review status: criteria provided, single submitter (1 of 4 stars). 2 submissions from 2 submitters: Likely pathogenic (1). 1 of the submissions does not count toward it. Last evaluated 2024-08-23.

Conditions:
COL7A1-related disorder. Also called: COL7A1- related disorders; COL7A1-related condition.

Submissions (2):

Labcorp Genetics (formerly Invitae), Labcorp
Classification: Likely pathogenic. Last evaluated: 2024-08-23. Review status: criteria provided, single submitter. Criteria: Invitae Variant Classification Sherloc (09022015). Collection method: clinical testing. Allele origin: germline.
Comment: This sequence change replaces glycine, which is neutral and non-polar, with arginine, which is basic and polar, at codon 2012 of the COL7A1 protein (p.Gly2012Arg). This variant is not present in population databases (gnomAD no frequency). This variant has not been reported in the literature in individuals affected with COL7A1-related conditions. ClinVar contains an entry for this variant (Variation ID: 2011015). Invitae Evidence Modeling of protein sequence and biophysical properties (such as structural, functional, and spatial information, amino acid conservation, physicochemical variation, residue mobility, and thermodynamic stability) indicates that this missense variant is expected to disrupt COL7A1 protein function with a positive predictive value of 95%. This variant disrupts the triple helix domain of COL7A1. Glycine residues within the Gly-Xaa-Yaa repeats of the triple helix domain are required for the structure and stability of fibrillar collagens (PMID: 7695699, 8218237, 19344236), and variants at these glycine residues in COL7A1 are more frequently observed in individuals with disease than in the general population (PMID: 22058051). However, the clinical significance of this observation remains uncertain since only a limited number of affected individuals have been described to date. This variant disrupts the p.Gly2012 amino acid residue in COL7A1. Other variant(s) that disrupt this residue have been determined to be pathogenic (PMID: 11952672, 12485454, 33274474). This suggests that this residue is clinically significant, and that variants that disrupt this residue are likely to be disease-causing. In summary, the currently available evidence indicates that the variant is pathogenic, but additional data are needed to prove that conclusively. Therefore, this variant has been classified as Likely Pathogenic.

PreventionGenetics, part of Exact Sciences
Classification: Likely pathogenic for COL7A1-related condition. Last evaluated: 2024-05-10. Review status: no assertion criteria provided. Collection method: clinical testing. Allele origin: germline. Not counted in ClinVar's aggregate classification.
Comment: The COL7A1 c.6034G>C variant is predicted to result in the amino acid substitution p.Gly2012Arg. This variant resides in exon 73 and results in a glycine residue substitution. Glycine substitution variants in the triple helical domain (Gly-X-Y; especially in exons 73, 74, and 75) are predominant in autosomal dominant dystrophic epidermolysis bullosa (DDEB). Alternative glycine substitutions at this amino acid position (p.Gly2012Ser, and p.Gly2012Asp) have been reported in individuals with autosomal dominant epidermolysis bullosa (see for example, Gardella et al. 2002. PubMed ID: 12485454; Matsuba et al. 2002. PubMed ID: 11952672; Table S1, Almaani et al. 2011. PubMed ID: 21448560). The c.6034G>C (p.Gly2012Arg) variant has not been reported in a large population database, indicating this variant is rare. This variant is interpreted as likely pathogenic.

Literature cited by the submitters: PubMed 7695699 (cited by Labcorp Genetics (formerly Invitae), Labcorp); PubMed 8218237 (cited by Labcorp Genetics (formerly Invitae), Labcorp); PubMed 19344236 (cited by Labcorp Genetics (formerly Invitae), Labcorp); PubMed 22058051 (cited by Labcorp Genetics (formerly Invitae), Labcorp); PubMed 11952672 (cited by Labcorp Genetics (formerly Invitae), Labcorp); PubMed 12485454 (cited by Labcorp Genetics (formerly Invitae), Labcorp); PubMed 33274474 (cited by Labcorp Genetics (formerly Invitae), Labcorp).

NM_000094.4(COL7A1):c.6034G>C (p.Gly2012Arg)

Gene: COL7A1 (collagen type VII alpha 1 chain; minus strand). Cytogenetic location: 3p21.31.
Variant type: single nucleotide variant.
Coding change: c.6034G>C on transcript NM_000094.4 (MANE Select); coding-DNA position 6034, G replaced by C.
Protein change: p.Gly2012Arg; replaces glycine 2012 with arginine.
Molecular consequence: missense variant.
Genome position (GRCh38, 1-based): chr3:48,575,485, C>G on the plus strand (G>C on the coding strand, the complement: COL7A1 is on the minus strand). VCF-style: chr3-48575485-C-G. GRCh37 (hg19) VCF-style: chr3-48612918-C-G.
Other names: short protein forms G2012R.
Identifiers: ClinVar variation 2011015 (VCV002011015.5), dbSNP rs2044234082, ClinGen allele CA352663740.